The following is an entry in ClinVar:

NM_033453.4(ITPA):c.5C>A (p.Ala2Glu)

Gene: ITPA (inosine triphosphatase; plus strand). Cytogenetic location: 20p13.
Variant type: single nucleotide variant.
Coding change: c.5C>A on transcript NM_033453.4 (MANE Select); coding-DNA position 5, C replaced by A.
Protein change: p.Ala2Glu; replaces alanine 2 with glutamic acid.
Molecular consequence: missense variant. On other transcripts: 5 prime UTR variant (1), non-coding transcript variant (1), intron variant (3).
Genome position (GRCh38, 1-based): chr20:3,209,556, C>A. VCF-style: chr20-3209556-C-A. GRCh37 (hg19) VCF-style: chr20-3190202-C-A.
Other names: c.5C>A, p.Ala2Glu (NM_001267623.2, NM_001324240.2, NM_181493.4); c.-336C>A (NM_001324236.2); c.-272+523C>A (NM_001324237.2); c.-275+523C>A (NM_001324238.2); c.-275+21C>A (NM_001351739.2); short protein forms A2E.
Identifiers: ClinVar variation 1035647 (VCV001035647.7), dbSNP rs150370229, ClinGen allele CA9741106.

ClinVar aggregate classification (germline): Uncertain significance (1 of 4 stars; one submission).

Conditions:
Inosine triphosphatase deficiency. Also called: INOSINE TRIPHOSPHATE PYROPHOSPHOHYDROLASE DEFICIENCY. Identifiers: MedGen C0342800, MONDO:0013461, OMIM 613850.

gnomAD v4.1: 8 of 1,613,900 alleles (0.0005%); highest among the groups gnomAD compares: East Asian, 0.0067%; no homozygotes.

Submission:

Labcorp Genetics (formerly Invitae), Labcorp
Classification: Uncertain significance for Inosine triphosphatase deficiency. Last evaluated: 2021-07-15. Review status: criteria provided, single submitter. Criteria: Invitae Variant Classification Sherloc (09022015). Collection method: clinical testing. Allele origin: germline.
Comment: In summary, the available evidence is currently insufficient to determine the role of this variant in disease. Therefore, it has been classified as a Variant of Uncertain Significance. Algorithms developed to predict the effect of missense changes on protein structure and function are either unavailable or do not agree on the potential impact of this missense change (SIFT: "Tolerated"; PolyPhen-2: "Probably Damaging"; Align-GVGD: "Class C0"). This variant has not been reported in the literature in individuals with ITPA-related conditions. This variant is present in population databases (rs150370229, ExAC 0.02%). This sequence change replaces alanine with glutamic acid at codon 2 of the ITPA protein (p.Ala2Glu). The alanine residue is moderately conserved and there is a moderate physicochemical difference between alanine and glutamic acid.